The following is an entry in ClinVar:

NM_003560.4(PLA2G6):c.1882C>T (p.Gln628Ter)

Gene: PLA2G6 (phospholipase A2 group VI; minus strand). Cytogenetic location: 22q13.1.
Variant type: single nucleotide variant.
Coding change: c.1882C>T on transcript NM_003560.4 (MANE Select); coding-DNA position 1882, C replaced by T.
Protein change: p.Gln628Ter; replaces glutamine 628 with a stop codon.
Molecular consequence: nonsense.
Genome position (GRCh38, 1-based): chr22:38,115,679, G>A on the plus strand (C>T on the coding strand, the complement: PLA2G6 is on the minus strand). VCF-style: chr22-38115679-G-A. GRCh37 (hg19) VCF-style: chr22-38511686-G-A.
Other names: c.1720C>T, p.Gln574Ter (NM_001004426.3, NM_001199562.3, NM_001349865.2 and 1 more transcripts); c.1882C>T, p.Gln628Ter (NM_001349864.2); c.1348C>T, p.Gln450Ter (NM_001349867.2); c.1204C>T, p.Gln402Ter (NM_001349868.2); c.1186C>T, p.Gln396Ter (NM_001349869.2); short protein forms Q402*, Q396*, Q574*, Q450*, Q628*.
Identifiers: ClinVar variation 2748479 (VCV002748479.3), dbSNP rs2087146072, ClinGen allele CA411524884.

ClinVar aggregate classification (germline): Pathogenic (1 of 4 stars; one submission).

Conditions:
Infantile neuroaxonal dystrophy (NBIA2A). Also called: NEURODEGENERATION WITH BRAIN IRON ACCUMULATION 2A; SEITELBERGER DISEASE; Infantile neuroaxonal dystrophy 1. Identifiers: Orphanet 35069, MedGen C0270724, MONDO:0024457, OMIM 256600.

Allele frequency attached by ClinVar (database versions not stated): gnomAD exomes below 0.00001.
gnomAD v4.1: 1 of 1,601,154 alleles (0.000062%); highest among the groups gnomAD compares: South Asian, 0.0011%; no homozygotes.

Submission:

Labcorp Genetics (formerly Invitae), Labcorp
Classification: Pathogenic for Infantile neuroaxonal dystrophy. Last evaluated: 2023-11-07. Review status: criteria provided, single submitter. Criteria: Invitae Variant Classification Sherloc (09022015). Collection method: clinical testing. Allele origin: germline.
Comment: This sequence change creates a premature translational stop signal (p.Gln628*) in the PLA2G6 gene. It is expected to result in an absent or disrupted protein product. Loss-of-function variants in PLA2G6 are known to be pathogenic (PMID: 16783378, 18570303, 18799783, 22213678). This variant is not present in population databases (gnomAD no frequency). This variant has not been reported in the literature in individuals affected with PLA2G6-related conditions. Algorithms developed to predict the effect of sequence changes on RNA splicing suggest that this variant may disrupt the consensus splice site. For these reasons, this variant has been classified as Pathogenic.

Literature cited by the submitters: PubMed 16783378; PubMed 18570303; PubMed 18799783; PubMed 22213678.